The following is an entry in ClinVar:

ClinVar aggregate classification (germline): Likely benign (1 of 4 stars; one submission).

Submission:

CeGaT Center for Human Genetics Tuebingen
Classification: Likely benign. Last evaluated: 2026-05-01. Review status: criteria provided, single submitter. Criteria: CeGaT Center For Human Genetics Tuebingen Variant Classification Criteria Version 2. Collection method: clinical testing. Allele origin: germline. Affected: yes. Observed: 1 variant allele.
Comment: FOCAD: BP4, BS2

NM_001375567.1(FOCAD):c.4729-5_4729-4insTTTTTTTTTTTTTTTTTTTTTTTTTTTTT

Gene: FOCAD (focadhesin; plus strand). Cytogenetic location: 9p21.3.
Variant type: Insertion.
Coding change: c.4729-5_4729-4insTTTTTTTTTTTTTTTTTTTTTTTTTTTTT on transcript NM_001375567.1 (MANE Select); 5 bases into the intron before coding-DNA position 4729 through 4 bases into the intron before coding-DNA position 4729, TTTTTTTTTTTTTTTTTTTTTTTTTTTTT inserted.
Molecular consequence: intron variant.
Genome position: GRCh38 VCF-style: chr9-20986266-A-ATTTTTTTTTTTTTTTTTTTTTTTTTTTTT. GRCh37 (hg19) VCF-style: chr9-20986265-A-ATTTTTTTTTTTTTTTTTTTTTTTTTTTTT.
Other names: c.4729-5_4729-4insTTTTTTTTTTTTTTTTTTTTTTTTTTTTT (NM_017794.5); c.4624-5_4624-4insTTTTTTTTTTTTTTTTTTTTTTTTTTTTT (NM_001375568.1, NM_001375570.1).
Identifiers: ClinVar variation 4873030 (VCV004873030.2).